The following is an entry in ClinVar:

ClinVar aggregate classification (germline): Uncertain significance (1 of 4 stars; one submission).

Conditions:
Combined immunodeficiency due to DOCK8 deficiency (HIES2). Also called: HIES autosomal recessive; Hyper-IgE recurrent infection syndrome, autosomal recessive; HYPER-IgE RECURRENT INFECTION SYNDROME 2, AUTOSOMAL RECESSIVE; DOCK8 Deficiency; HYPER-IgE SYNDROME 2, AUTOSOMAL RECESSIVE, WITH RECURRENT INFECTIONS. Identifiers: Orphanet 217390, MedGen C4722305, MONDO:0009478, OMIM 243700.

Allele frequency attached by ClinVar (database versions not stated): gnomAD 0.00001; TOPMed 0.00001.
gnomAD v4.1: 2 of 1,613,472 alleles (0.00012%); highest among the groups gnomAD compares: East Asian, 0.0045%; no homozygotes.

Submission:

Labcorp Genetics (formerly Invitae), Labcorp
Classification: Uncertain significance for Combined immunodeficiency due to DOCK8 deficiency. Last evaluated: 2023-10-13. Review status: criteria provided, single submitter. Criteria: Invitae Variant Classification Sherloc (09022015). Collection method: clinical testing. Allele origin: germline.
Comment: This sequence change replaces proline, which is neutral and non-polar, with arginine, which is basic and polar, at codon 116 of the DOCK8 protein (p.Pro116Arg). This variant is present in population databases (no rsID available, gnomAD 0.06%). This variant has not been reported in the literature in individuals affected with DOCK8-related conditions. Advanced modeling of protein sequence and biophysical properties (such as structural, functional, and spatial information, amino acid conservation, physicochemical variation, residue mobility, and thermodynamic stability) performed at Invitae indicates that this missense variant is not expected to disrupt DOCK8 protein function. In summary, the available evidence is currently insufficient to determine the role of this variant in disease. Therefore, it has been classified as a Variant of Uncertain Significance.

NM_203447.4(DOCK8):c.347C>G (p.Pro116Arg)

Gene: DOCK8 (dedicator of cytokinesis 8; plus strand). Cytogenetic location: 9p24.3.
Variant type: single nucleotide variant.
Coding change: c.347C>G on transcript NM_203447.4 (MANE Select); coding-DNA position 347, C replaced by G.
Protein change: p.Pro116Arg; replaces proline 116 with arginine.
Molecular consequence: missense variant.
Genome position (GRCh38, 1-based): chr9:289,524, C>G. VCF-style: chr9-289524-C-G. GRCh37 (hg19) VCF-style: chr9-289524-C-G.
Other names: c.143C>G, p.Pro48Arg (NM_001190458.2, NM_001193536.2); short protein forms P48R, P116R.
Identifiers: ClinVar variation 3009399 (VCV003009399.3), dbSNP rs898502102, ClinGen allele CA372757135.